The following is an entry in ClinVar:

ClinVar aggregate classification (germline): Uncertain significance. Review status: criteria provided, multiple submitters, no conflicts (2 of 4 stars). 3 submissions from 3 submitters: Uncertain significance (3). Last evaluated 2025-07-09.

Conditions:
GRM1-related disorder. Also called: GRM1-related condition.

gnomAD v4.1: 2 of 1,613,870 alleles (0.00012%); highest among the groups gnomAD compares: African/African-American, 0.0013%; no homozygotes.

Submissions (3):

PreventionGenetics, part of Exact Sciences
Classification: Uncertain significance for GRM1-related condition. Last evaluated: 2025-07-09. Review status: criteria provided, single submitter. Criteria: ACMG Guidelines, 2015. Collection method: clinical testing. Allele origin: germline.
Comment: The GRM1 c.3373G>T variant is predicted to result in premature protein termination (p.Glu1125*). To our knowledge, this variant has not been reported in the literature. This variant is reported in 0.011% of alleles in individuals of African descent in gnomAD. At this time, the clinical significance of this variant is uncertain due to the absence of conclusive functional and genetic evidence.

Women's Health and Genetics/Laboratory Corporation of America, LabCorp
Classification: Uncertain significance. Last evaluated: 2023-05-16. Review status: criteria provided, single submitter. Criteria: LabCorp Variant Classification Summary - May 2015. Collection method: clinical testing. Allele origin: germline.
Comment: Variant summary: GRM1 c.3373G>T (p.Glu1125X) results in a premature termination codon and is predicted to cause a truncation of the encoded protein, which is a commonly known mechanism for disease. Although the variant is not predicted to cause absence of the protein through nonsense mediated decay, the variant is predicted to disrupt the last 70 amino acids in the protein sequence. The variant allele was found at a frequency of 6.6e-06 in 150972 control chromosomes (gnomAD v3.1.2). The available data on variant occurrences in the general population are insufficient to allow any conclusion about variant significance. To our knowledge, no occurrence of c.3373G>T in individuals affected with Autosomal Recessive Spinocerebellar Ataxia 13 and no experimental evidence demonstrating its impact on protein function have been reported. One ClinVar submitter has assessed the variant since 2014: the variant was classified as uncertain significance. Based on the evidence outlined above, the variant was classified as uncertain significance.

Labcorp Genetics (formerly Invitae), Labcorp
Classification: Uncertain significance. Last evaluated: 2022-03-15. Review status: criteria provided, single submitter. Criteria: Invitae Variant Classification Sherloc (09022015). Collection method: clinical testing. Allele origin: germline.
Comment: In summary, the available evidence is currently insufficient to determine the role of this variant in disease. Therefore, it has been classified as a Variant of Uncertain Significance. Algorithms developed to predict the effect of sequence changes on RNA splicing suggest that this variant may create or strengthen a splice site. ClinVar contains an entry for this variant (Variation ID: 1054434). This variant has not been reported in the literature in individuals affected with GRM1-related conditions. The frequency data for this variant in the population databases is considered unreliable, as metrics indicate poor data quality at this position in the gnomAD database. This sequence change creates a premature translational stop signal (p.Glu1125*) in the GRM1 gene. While this is not anticipated to result in nonsense mediated decay, it is expected to disrupt the last 70 amino acid(s) of the GRM1 protein.

NM_001278064.2(GRM1):c.3373G>T (p.Glu1125Ter)

Gene: GRM1 (glutamate metabotropic receptor 1; plus strand). Cytogenetic location: 6q24.3.
Variant type: single nucleotide variant.
Coding change: c.3373G>T on transcript NM_001278064.2 (MANE Select); coding-DNA position 3373, G replaced by T.
Protein change: p.Glu1125Ter; replaces glutamic acid 1125 with a stop codon.
Molecular consequence: nonsense. On other transcripts: 3 prime UTR variant (3).
Genome position (GRCh38, 1-based): chr6:146,434,584, G>T. VCF-style: chr6-146434584-G-T. GRCh37 (hg19) VCF-style: chr6-146755720-G-T.
Other names: c.3373G>T (NM_001278064.1); c.*737G>T (NM_001278065.2); c.*702G>T (NM_001278066.1); c.*611G>T (NM_001278067.1); short protein forms E1125*.
Identifiers: ClinVar variation 1054434 (VCV001054434.8), dbSNP rs149403267, ClinGen allele CA366193602.